The following is an entry in ClinVar:

ClinVar aggregate classification (germline): Uncertain significance (1 of 4 stars; one submission).

Allele frequency attached by ClinVar (database versions not stated): gnomAD exomes below 0.00001.

Submission:

GeneDx
Classification: Uncertain significance. Last evaluated: 2017-04-13. Review status: criteria provided, single submitter. Criteria: GeneDx Variant Classification (06012015). Collection method: clinical testing. Allele origin: germline. Affected: yes.
Comment: The N393S variant in the GRID2 gene has not been reported previously as a pathogenic variant, nor as a benign variant, to our knowledge. The N393S variant is not observed in large population cohorts (Lek et al., 2016; 1000 Genomes Consortium et al., 2015; Exome Variant Server). The N393S variant is a conservative amino acid substitution, which is not likely to impact secondary protein structure as these residues share similar properties. This substitution occurs at a position that is conserved across species. In silico analysis is inconsistent in its predictions as to whether or not the variant is damaging to the protein structure/function. We interpret N393S as a variant of uncertain significance.

NM_001510.4(GRID2):c.1178A>G (p.Asn393Ser)

Gene: GRID2 (glutamate ionotropic receptor delta type subunit 2; plus strand). Cytogenetic location: 4q22.2.
Variant type: single nucleotide variant.
Coding change: c.1178A>G on transcript NM_001510.4 (MANE Select); coding-DNA position 1178, A replaced by G.
Protein change: p.Asn393Ser; replaces asparagine 393 with serine.
Molecular consequence: missense variant.
Genome position (GRCh38, 1-based): chr4:93,238,423, A>G. VCF-style: chr4-93238423-A-G. GRCh37 (hg19) VCF-style: chr4-94159574-A-G.
Other names: c.893A>G, p.Asn298Ser (NM_001286838.1); short protein forms N393S, N298S.
Identifiers: ClinVar variation 426507 (VCV000426507.2), dbSNP rs1085307659, ClinGen allele CA357723862.